The following is an entry in ClinVar:

ClinVar aggregate classification (germline): Uncertain significance. Review status: criteria provided, multiple submitters, no conflicts (2 of 4 stars). 2 submissions from 2 submitters: Uncertain significance (2). Last evaluated 2023-09-26.

gnomAD v4.1: 2 of 1,612,586 alleles (0.00012%); highest among the groups gnomAD compares: Admixed American, 0.0017%; no homozygotes.

Submissions (2):

Ambry Genetics
Classification: Uncertain significance. Last evaluated: 2023-09-26. Review status: criteria provided, single submitter. Criteria: Ambry Variant Classification Scheme 2023. Collection method: clinical testing. Allele origin: germline.
Comment: The p.G377* variant (also known as c.1129G>T), located in coding exon 9 of the RECQL gene, results from a G to T substitution at nucleotide position 1129. This changes the amino acid from a glycine to a stop codon within coding exon 9. This alteration is expected to result in loss of function by premature protein truncation or nonsense-mediated mRNA decay. The evidence for this gene-disease relationship is limited; therefore, the clinical significance of this alteration is unclear.

Labcorp Genetics (formerly Invitae), Labcorp
Classification: Uncertain significance. Last evaluated: 2022-04-04. Review status: criteria provided, single submitter. Criteria: Invitae Variant Classification Sherloc (09022015). Collection method: clinical testing. Allele origin: germline.
Comment: In summary, the available evidence is currently insufficient to determine the role of this variant in disease. Therefore, it has been classified as a Variant of Uncertain Significance. Experimental studies and prediction algorithms are not available or were not evaluated, and the functional significance of this variant is currently unknown. This variant has not been reported in the literature in individuals affected with RECQL-related conditions. This variant is present in population databases (no rsID available, gnomAD 0.003%). This sequence change creates a premature translational stop signal (p.Gly377*) in the RECQL gene. It is expected to result in an absent or disrupted protein product. However, the current clinical and genetic evidence is not sufficient to establish whether loss-of-function variants in RECQL cause disease.

NM_002907.4(RECQL):c.1129G>T (p.Gly377Ter)

Gene: RECQL (RecQ like helicase; minus strand). Cytogenetic location: 12p12.1.
Variant type: single nucleotide variant.
Coding change: c.1129G>T on transcript NM_002907.4 (MANE Select); coding-DNA position 1129, G replaced by T.
Protein change: p.Gly377Ter; replaces glycine 377 with a stop codon.
Molecular consequence: nonsense.
Genome position (GRCh38, 1-based): chr12:21,475,555, C>A on the plus strand (G>T on the coding strand, the complement: RECQL is on the minus strand). VCF-style: chr12-21475555-C-A. GRCh37 (hg19) VCF-style: chr12-21628489-C-A.
Other names: c.1129G>T, p.Gly377Ter (NM_032941.3); short protein forms G377*.
Identifiers: ClinVar variation 1727768 (VCV001727768.7), dbSNP rs375822444, ClinGen allele CA384120149.
Genomic context (GRCh38, chr12:21,475,555, plus strand): 5'-TTTCCATGGATTTACTCATTGAATGATGGATAACAAACCTCACATCTGGCTTATCAATTC[C>A]CATACCAAATGCAACAGTTGCCACTACTACCTGAAATATTTTAACATTTTATCAGTTAAT-3'